The following is an entry in ClinVar:

NM_001145073.3(USP27X):c.1157G>A (p.Arg386Gln)

Gene: USP27X (ubiquitin specific peptidase 27 X-linked; plus strand). Cytogenetic location: Xp11.23.
Variant type: single nucleotide variant.
Coding change: c.1157G>A on transcript NM_001145073.3 (MANE Select); coding-DNA position 1157, G replaced by A.
Protein change: p.Arg386Gln; replaces arginine 386 with glutamine.
Molecular consequence: missense variant.
Genome position (GRCh38, 1-based): chrX:49,881,464, G>A. VCF-style: chrX-49881464-G-A. GRCh37 (hg19) VCF-style: chrX-49646067-G-A.
Other names: short protein forms R386Q.
Identifiers: ClinVar variation 1031163 (VCV001031163.1), dbSNP rs1557162735, ClinGen allele CA413172316.

ClinVar aggregate classification (germline): Uncertain significance (1 of 4 stars; one submission).

Conditions:
Intellectual developmental disorder, X-linked 105. Also called: Intellectual disability, X-linked 105. Identifiers: MedGen C4310816, MONDO:0010510, OMIM 300984.

Allele frequency attached by ClinVar (database versions not stated): gnomAD exomes 0.00001.

Submission:

Baylor Genetics
Classification: Uncertain significance for Intellectual developmental disorder, X-linked 105. Last evaluated: 2020-05-05. Review status: criteria provided, single submitter. Criteria: ACMG Guidelines, 2015. Collection method: clinical testing. Allele origin: unknown. Affected: yes.
Comment: This variant was determined to be of uncertain significance according to ACMG Guidelines, 2015 [PMID:25741868].